The following is an entry in ClinVar:

NM_000212.3(ITGB3):c.682C>T (p.Arg228Cys)

Gene: ITGB3 (integrin subunit beta 3; plus strand). Cytogenetic location: 17q21.32.
Variant type: single nucleotide variant.
Coding change: c.682C>T on transcript NM_000212.3 (MANE Select); coding-DNA position 682, C replaced by T.
Protein change: p.Arg228Cys; replaces arginine 228 with cysteine.
Molecular consequence: missense variant.
Genome position (GRCh38, 1-based): chr17:47,286,327, C>T. VCF-style: chr17-47286327-C-T. GRCh37 (hg19) VCF-style: chr17-45363693-C-T.
Other names: short protein forms R228C.
Identifiers: ClinVar variation 2189390 (VCV002189390.5), dbSNP rs763708273, ClinGen allele CA8623024.

ClinVar aggregate classification (germline): Uncertain significance. Review status: criteria provided, multiple submitters, no conflicts (2 of 4 stars). 3 submissions from 3 submitters: Uncertain significance (3). Last evaluated 2026-01-28.

Conditions:
ITGB3-related disorder. Also called: ITGB3-related condition.
Inborn genetic diseases. Identifiers: MedGen C0950123, MeSH D030342.

Allele frequency attached by ClinVar (database versions not stated): gnomAD 0.00001; TOPMed 0.00001.
gnomAD v4.1: 37 of 1,614,054 alleles (0.0023%); highest among the groups gnomAD compares: South Asian, 0.0055%; no homozygotes.

Submissions (3):

PreventionGenetics, part of Exact Sciences
Classification: Uncertain significance for ITGB3-related condition. Last evaluated: 2026-01-28. Review status: criteria provided, single submitter. Criteria: ACMG Guidelines, 2015. Collection method: clinical testing. Allele origin: germline.
Comment: The ITGB3 c.682C>T variant is predicted to result in the amino acid substitution p.Arg228Cys. To our knowledge, this variant has not been reported in the literature. An alternative amino acid substitution at this position (p.Arg228His) was reported in the homozygous state along with a homozygous ITGB3 splice variant in two siblings with Glanzmann thrombasthenia (Nurden et al 2015. PubMed ID: 25728920). This variant is reported in 0.0098% of alleles in individuals of South Asian descent in gnomAD. At this time, the clinical significance of this variant is uncertain due to the absence of conclusive functional and genetic evidence.

Ambry Genetics
Classification: Uncertain significance for Inborn genetic diseases. Last evaluated: 2025-12-11. Review status: criteria provided, single submitter. Criteria: Ambry Variant Classification Scheme 2023. Collection method: clinical testing. Allele origin: germline.

Labcorp Genetics (formerly Invitae), Labcorp
Classification: Uncertain significance. Last evaluated: 2025-07-14. Review status: criteria provided, single submitter. Criteria: Invitae Variant Classification Sherloc (09022015). Collection method: clinical testing. Allele origin: germline.
Comment: This sequence change replaces arginine, which is basic and polar, with cysteine, which is neutral and slightly polar, at codon 228 of the ITGB3 protein (p.Arg228Cys). This variant is present in population databases (rs763708273, gnomAD 0.003%). This variant has not been reported in the literature in individuals affected with ITGB3-related conditions. ClinVar contains an entry for this variant (Variation ID: 2189390). Invitae Evidence Modeling of protein sequence and biophysical properties (such as structural, functional, and spatial information, amino acid conservation, physicochemical variation, residue mobility, and thermodynamic stability) indicates that this missense variant is expected to disrupt ITGB3 protein function with a positive predictive value of 95%. In summary, the available evidence is currently insufficient to determine the role of this variant in disease. Therefore, it has been classified as a Variant of Uncertain Significance.